The following is an entry in ClinVar:

ClinVar aggregate classification (germline): Likely pathogenic (1 of 4 stars; one submission).

Conditions:
Duchenne muscular dystrophy (DMD). Also called: MUSCULAR DYSTROPHY, PSEUDOHYPERTROPHIC PROGRESSIVE, DUCHENNE TYPE; Duchenne Muscular Dystrophy (DMD). Identifiers: Orphanet 98896, MedGen C0013264, MONDO:0010679, OMIM 310200.

Submission:

Labcorp Genetics (formerly Invitae), Labcorp
Classification: Likely pathogenic for Duchenne muscular dystrophy. Last evaluated: 2022-05-31. Review status: criteria provided, single submitter. Criteria: Invitae Variant Classification Sherloc (09022015). Collection method: clinical testing. Allele origin: unknown.
Comment: In summary, the currently available evidence indicates that the variant is pathogenic, but additional data are needed to prove that conclusively. Therefore, this variant has been classified as Likely Pathogenic. This variant has not been reported in the literature in individuals affected with DMD-related conditions. This variant results in a copy number gain of the genomic region encompassing exon(s) 42-45 of the DMD gene. While the exact position of this variant cannot be determined from the data, sub-genic copy number gains are generally in tandem (PMID: 25640679). This variant is predicted to be out-of-frame, and may result in an absent or disrupted protein product. Loss-of-function variants in DMD are known to be pathogenic (PMID: 16770791, 25007885).

Literature cited by the submitters: PubMed 25640679; PubMed 16770791; PubMed 25007885.

NC_000023.10:g.(?_31983146)_(32328413_?)dup

Gene: DMD (dystrophin; minus strand). Cytogenetic location: Xp21.1.
Variant type: Duplication.
Identifiers: ClinVar variation 3243042 (VCV003243042.1).